The following is an entry in ClinVar:

ClinVar aggregate classification (germline): Uncertain significance (1 of 4 stars; one submission).

Conditions:
Alpha thalassemia-X-linked intellectual disability syndrome (ATRX). Also called: ALPHA-THALASSEMIA/MENTAL RETARDATION SYNDROME, X-LINKED; ATR, NONDELETION TYPE; ATR-X syndrome; Alpha thalassemia mental retardation syndrome, nondeletion type, X-linked; XLMR hypotonic face syndrome; X-linked alpha-thalassemia-mental retardation syndrome. Identifiers: Orphanet 847, MedGen C1845055, MONDO:0010519, OMIM 301040.

Submission:

Labcorp Genetics (formerly Invitae), Labcorp
Classification: Uncertain significance for Alpha thalassemia-X-linked intellectual disability syndrome. Last evaluated: 2025-02-25. Review status: criteria provided, single submitter. Criteria: Invitae Variant Classification Sherloc (09022015). Collection method: clinical testing. Allele origin: germline.
Comment: This sequence change replaces valine, which is neutral and non-polar, with leucine, which is neutral and non-polar, at codon 2369 of the ATRX protein (p.Val2369Leu). This variant is not present in population databases (gnomAD no frequency). This variant has not been reported in the literature in individuals affected with ATRX-related conditions. Invitae Evidence Modeling of protein sequence and biophysical properties (such as structural, functional, and spatial information, amino acid conservation, physicochemical variation, residue mobility, and thermodynamic stability) indicates that this missense variant is not expected to disrupt ATRX protein function with a negative predictive value of 95%. In summary, the available evidence is currently insufficient to determine the role of this variant in disease. Therefore, it has been classified as a Variant of Uncertain Significance.

NM_000489.6(ATRX):c.7105G>C (p.Val2369Leu)

Gene: ATRX (ATRX chromatin remodeler; minus strand). Cytogenetic location: Xq21.1.
Variant type: single nucleotide variant.
Coding change: c.7105G>C on transcript NM_000489.6 (MANE Select); coding-DNA position 7105, G replaced by C.
Protein change: p.Val2369Leu; replaces valine 2369 with leucine.
Molecular consequence: missense variant.
Genome position (GRCh38, 1-based): chrX:77,520,883, C>G on the plus strand (G>C on the coding strand, the complement: ATRX is on the minus strand). VCF-style: chrX-77520883-C-G. GRCh37 (hg19) VCF-style: chrX-76776361-C-G.
Other names: c.6991G>C, p.Val2331Leu (NM_138270.5); short protein forms V2331L, V2369L.
Identifiers: ClinVar variation 4801094 (VCV004801094.1).